The following is an entry in ClinVar:

ClinVar aggregate classification (germline): Uncertain significance. Review status: criteria provided, multiple submitters, no conflicts (2 of 4 stars). 2 submissions from 2 submitters: Uncertain significance (2). Last evaluated 2025-02-09.

Conditions:
KBG syndrome (KBGS). Also called: ANKRD11-Related KBG Syndrome. Identifiers: Orphanet 2332, MedGen C0220687, MONDO:0007846, OMIM 148050.

Allele frequency attached by ClinVar (database versions not stated): gnomAD exomes 0.00001.
gnomAD v4.1: 3 of 1,613,606 alleles (0.00019%); highest among the groups gnomAD compares: South Asian, 0.0033%; no homozygotes.

Submissions (2):

Labcorp Genetics (formerly Invitae), Labcorp
Classification: Uncertain significance for KBG syndrome. Last evaluated: 2025-02-09. Review status: criteria provided, single submitter. Criteria: Invitae Variant Classification Sherloc (09022015). Collection method: clinical testing. Allele origin: germline.
Comment: This sequence change replaces serine, which is neutral and polar, with cysteine, which is neutral and slightly polar, at codon 584 of the ANKRD11 protein (p.Ser584Cys). This variant is present in population databases (no rsID available, gnomAD 0.003%). This variant has not been reported in the literature in individuals affected with ANKRD11-related conditions. ClinVar contains an entry for this variant (Variation ID: 2663937). Invitae Evidence Modeling of protein sequence and biophysical properties (such as structural, functional, and spatial information, amino acid conservation, physicochemical variation, residue mobility, and thermodynamic stability) has been performed for this missense variant. However, the output from this modeling did not meet the statistical confidence thresholds required to predict the impact of this variant on ANKRD11 protein function. In summary, the available evidence is currently insufficient to determine the role of this variant in disease. Therefore, it has been classified as a Variant of Uncertain Significance.

Neuberg Centre For Genomic Medicine, NCGM
Classification: Uncertain significance for KBG syndrome. Review status: criteria provided, single submitter. Criteria: ACMG Guidelines, 2015. Collection method: clinical testing. Allele origin: germline. Inheritance: Autosomal dominant inheritance. Affected: yes.

NM_013275.6(ANKRD11):c.1751C>G (p.Ser584Cys)

Gene: ANKRD11 (ankyrin repeat domain 11; minus strand). Cytogenetic location: 16q24.3.
Variant type: single nucleotide variant.
Coding change: c.1751C>G on transcript NM_013275.6 (MANE Select); coding-DNA position 1751, C replaced by G.
Protein change: p.Ser584Cys; replaces serine 584 with cysteine.
Molecular consequence: missense variant.
Genome position (GRCh38, 1-based): chr16:89,284,791, G>C on the plus strand (C>G on the coding strand, the complement: ANKRD11 is on the minus strand). VCF-style: chr16-89284791-G-C. GRCh37 (hg19) VCF-style: chr16-89351199-G-C.
Other names: c.1751C>G, p.Ser584Cys (NM_001256182.2, NM_001256183.2); short protein forms S584C.
Identifiers: ClinVar variation 2663937 (VCV002663937.2), dbSNP rs1249633142, ClinGen allele CA397164084.